The following is an entry in ClinVar:

ClinVar aggregate classification (germline): Likely benign (1 of 4 stars; one submission).

Allele frequency attached by ClinVar (database versions not stated): 1000 Genomes Project 0.00140; 1000 Genomes Project 30x 0.00141; TOPMed 0.00179; ESP Exome Variant Server 0.00192; gnomAD 0.00205; ExAC 0.00283.

Submission:

CeGaT Center for Human Genetics Tuebingen
Classification: Likely benign. Last evaluated: 2022-11-01. Review status: criteria provided, single submitter. Criteria: CeGaT Center For Human Genetics Tuebingen Variant Classification Criteria Version 2. Collection method: clinical testing. Allele origin: germline. Affected: yes. Observed: 1 variant allele.
Comment: KRT84: BS2

NM_033045.4(KRT84):c.541G>T (p.Asp181Tyr)

Gene: KRT84 (keratin 84; minus strand). Cytogenetic location: 12q13.13.
Variant type: single nucleotide variant.
Coding change: c.541G>T on transcript NM_033045.4 (MANE Select); coding-DNA position 541, G replaced by T.
Protein change: p.Asp181Tyr; replaces aspartic acid 181 with tyrosine.
Molecular consequence: missense variant.
Genome position (GRCh38, 1-based): chr12:52,385,045, C>A on the plus strand (G>T on the coding strand, the complement: KRT84 is on the minus strand). VCF-style: chr12-52385045-C-A. GRCh37 (hg19) VCF-style: chr12-52778829-C-A.
Other names: short protein forms D181Y.
Identifiers: ClinVar variation 2643016 (VCV002643016.24), dbSNP rs140632920, ClinGen allele CA6578913.